The following is an entry in ClinVar:

ClinVar aggregate classification (germline): Pathogenic/Likely pathogenic. Review status: criteria provided, multiple submitters, no conflicts (2 of 4 stars). 3 submissions from 3 submitters: Pathogenic (1); Likely pathogenic (2). Last evaluated 2025-09-03.

Conditions:
Bartter syndrome. Identifiers: Orphanet 112, MedGen C0004775, MONDO:0015231.
Bartter disease type 4A. Also called: BARTTER SYNDROME, NEONATAL, WITH SENSORINEURAL DEAFNESS; BARTTER SYNDROME, TYPE 4A, NEONATAL, WITH SENSORINEURAL DEAFNESS. Identifiers: Orphanet 112, MedGen C1865270, MONDO:0011242, OMIM 602522.

Allele frequency attached by ClinVar (database versions not stated): gnomAD 0.00002; TOPMed 0.00001; gnomAD exomes 0.00002.

Submissions (3):

Natera, Inc.
Classification: Likely pathogenic for Bartter syndrome. Last evaluated: 2025-09-03. Review status: criteria provided, single submitter. Criteria: Natera Variant Classification Schema (03/2026). Collection method: clinical testing. Allele origin: germline.
Comment: The c.97G>C variant in BSND is a missense variant predicted to cause substitution of valine to leucine at amino acid 33. This variant is rare in the general population with a frequency below the threshold expected for the associated phenotype(s). This variant has been observed in one or more individuals affected with the associated recessive disease, as either homozygous or compound heterozygous with a second variant (PMID: 24949729). Additionally, this variant has been observed to segregate in affected family members (PMID: 24949729). Functional studies show that this variant may disrupt protein function (PMID: 28555110). Computational prediction algorithms indicate this variant is likely to affect gene or protein function. Given the available evidence, this variant is classified as Likely Pathogenic.

Women's Health and Genetics/Laboratory Corporation of America, LabCorp
Classification: Pathogenic for Bartter syndrome. Last evaluated: 2022-02-09. Review status: criteria provided, single submitter. Criteria: LabCorp Variant Classification Summary - May 2015. Collection method: clinical testing. Allele origin: germline.
Comment: Variant summary: BSND c.97G>C (p.Val33Leu) results in a conservative amino acid change in the encoded protein sequence. Three of five in-silico tools predict a damaging effect of the variant on protein function. The variant allele was found at a frequency of 4e-06 in 251412 control chromosomes. c.97G>C has been reported in the literature in multiple individuals affected with hearing loss (Shafique_2014). These data indicate that the variant is very likely to be associated with disease. At least one publication reports experimental evidence evaluating an impact on protein function and showed that V33L reduced membrane insertion of CLC-K/barttin complexes without altering unitary CLC-K channel function (Tan_2017). No clinical diagnostic laboratories have submitted clinical-significance assessments for this variant to ClinVar after 2014. Based on the evidence outlined above, the variant was classified as pathogenic.

Revvity Omics, Revvity
Classification: Likely pathogenic for Bartter disease type 4A. Last evaluated: 2021-02-03. Review status: criteria provided, single submitter. Criteria: ACMG Guidelines, 2015. Collection method: clinical testing. Allele origin: germline.

Literature cited by the submitters: PubMed 24949729 (cited by Natera, Inc. and Women's Health and Genetics/Laboratory Corporation of America, LabCorp); PubMed 28555110 (cited by Natera, Inc. and Women's Health and Genetics/Laboratory Corporation of America, LabCorp).

NM_057176.3(BSND):c.97G>C (p.Val33Leu)

Gene: BSND (barttin CLCNK type accessory subunit beta; plus strand). Cytogenetic location: 1p32.3.
Variant type: single nucleotide variant.
Coding change: c.97G>C on transcript NM_057176.3 (MANE Select); coding-DNA position 97, G replaced by C.
Protein change: p.Val33Leu; replaces valine 33 with leucine.
Molecular consequence: missense variant.
Genome position (GRCh38, 1-based): chr1:54,999,283, G>C. VCF-style: chr1-54999283-G-C. GRCh37 (hg19) VCF-style: chr1-55464956-G-C.
Other names: short protein forms V33L.
Identifiers: ClinVar variation 1323985 (VCV001323985.7), dbSNP rs754523289, ClinGen allele CA871214.
Genomic context (GRCh38, chr1:54,999,283, plus strand): 5'-GTGCTGGGGCTTTTCCTGCTGGCCCTCGGTACGTTCCTCATGAGCCATGATCGGCCCCAG[G>C]TCTACGGCACCTTCTATGCCATGGGCAGCGTCATGGTGATCGGGGGCATCATCTGGAGCA-3'
Protein context (NP_476517.1, residues 23-43): TFLMSHDRPQ[Val33Leu]YGTFYAMGSV